The following is an entry in ClinVar:

ClinVar aggregate classification (germline): Uncertain significance. Review status: criteria provided, multiple submitters, no conflicts (2 of 4 stars). 3 submissions from 3 submitters: Uncertain significance (3). Last evaluated 2025-06-24.

Conditions:
Inborn genetic diseases. Identifiers: MedGen C0950123, MeSH D030342.
Developmental and epileptic encephalopathy, 30 (DEE30). Also called: Epileptic encephalopathy, early infantile, 30. Identifiers: MedGen C4225360, MONDO:0014595, OMIM 616341.

Submissions (3):

Labcorp Genetics (formerly Invitae), Labcorp
Classification: Uncertain significance for Developmental and epileptic encephalopathy, 30. Last evaluated: 2025-06-24. Review status: criteria provided, single submitter. Criteria: Invitae Variant Classification Sherloc (09022015). Collection method: clinical testing. Allele origin: germline.
Comment: This sequence change replaces proline, which is neutral and non-polar, with arginine, which is basic and polar, at codon 635 of the SIK1 protein (p.Pro635Arg). This variant is present in population databases (rs779904079, gnomAD 0.005%). This missense change has been observed in individual(s) with clinical features of epileptic encephalopathy with cerebellar atrophy (internal data). ClinVar contains an entry for this variant (Variation ID: 1017671). Invitae Evidence Modeling of protein sequence and biophysical properties (such as structural, functional, and spatial information, amino acid conservation, physicochemical variation, residue mobility, and thermodynamic stability) indicates that this missense variant is not expected to disrupt SIK1 protein function with a negative predictive value of 95%. In summary, the available evidence is currently insufficient to determine the role of this variant in disease. Therefore, it has been classified as a Variant of Uncertain Significance.

Revvity Omics, Revvity
Classification: Uncertain significance for Developmental and epileptic encephalopathy, 30. Last evaluated: 2024-09-12. Review status: criteria provided, single submitter. Criteria: ACMG Guidelines, 2015. Collection method: clinical testing. Allele origin: germline.

Ambry Genetics
Classification: Uncertain significance for Inborn genetic diseases. Last evaluated: 2024-07-07. Review status: criteria provided, single submitter. Criteria: Ambry Variant Classification Scheme 2023. Collection method: clinical testing. Allele origin: germline.

NM_173354.5(SIK1):c.1904C>G (p.Pro635Arg)

Gene: SIK1 (salt inducible kinase 1; minus strand). Cytogenetic location: 21q22.3.
Variant type: single nucleotide variant.
Coding change: c.1904C>G on transcript NM_173354.5 (MANE Select); coding-DNA position 1904, C replaced by G.
Protein change: p.Pro635Arg; replaces proline 635 with arginine.
Molecular consequence: missense variant.
Genome position (GRCh38, 1-based): chr21:43,417,615, G>C on the plus strand (C>G on the coding strand, the complement: SIK1 is on the minus strand). VCF-style: chr21-43417615-G-C. GRCh37 (hg19) VCF-style: chr21-44837495-G-C.
Other names: short protein forms P635R.
Identifiers: ClinVar variation 1017671 (VCV001017671.13), dbSNP rs779904079, ClinGen allele CA321324851.
Genomic context (GRCh38, chr21:43,417,615, plus strand): 5'-AGCACCTCCTCCAGCAGGCTCCAGCCCTCCCGGCTGCCGGCTGCGCCGCCGTGCAGGCCT[G>C]GGCTCTGTGCAGGGGCGTGGAAGGGGCTCAGGCCGCCCCTGCTGGCCCGGCTGGCGGGGG-3'
Protein context (NP_775490.2, residues 625-645): LSPFHAPAQS[Pro635Arg]GLHGGAAGSR